The following is an entry in ClinVar:

NM_024408.4(NOTCH2):c.5978C>G (p.Thr1993Ser)

Gene: NOTCH2 (notch receptor 2; minus strand). Cytogenetic location: 1p12.
Variant type: single nucleotide variant.
Coding change: c.5978C>G on transcript NM_024408.4 (MANE Select); coding-DNA position 5978, C replaced by G.
Protein change: p.Thr1993Ser; replaces threonine 1993 with serine.
Molecular consequence: missense variant.
Genome position (GRCh38, 1-based): chr1:119,917,714, G>C on the plus strand (C>G on the coding strand, the complement: NOTCH2 is on the minus strand). VCF-style: chr1-119917714-G-C. GRCh37 (hg19) VCF-style: chr1-120460337-G-C.
Other names: short protein forms T1993S.
Identifiers: ClinVar variation 4626306 (VCV004626306.2).

ClinVar aggregate classification (germline): Conflicting classifications of pathogenicity. Review status: criteria provided, conflicting classifications (1 of 4 stars). 2 submissions from 2 submitters: Uncertain significance (1); Likely benign (1). Last evaluated 2025-12-09.

Conditions:
Hajdu-Cheney syndrome (HJCYS). Also called: ACROOSTEOLYSIS WITH OSTEOPOROSIS AND CHANGES IN SKULL AND MANDIBLE; SERPENTINE FIBULA-POLYCYSTIC KIDNEY SYNDROME; Acroosteolysis dominant type. Identifiers: Orphanet 955, MedGen C0917715, MONDO:0007057, OMIM 102500.
Inborn genetic diseases. Identifiers: MedGen C0950123, MeSH D030342.

gnomAD v4.1: 25 of 1,613,964 alleles (0.0015%); highest among the groups gnomAD compares: South Asian, 0.026%; 1 homozygote.

Submissions (2):

Ambry Genetics
Classification: Likely benign for Inborn genetic diseases. Last evaluated: 2025-12-09. Review status: criteria provided, single submitter. Criteria: Ambry Variant Classification Scheme 2023. Collection method: clinical testing. Allele origin: germline.

Labcorp Genetics (formerly Invitae), Labcorp
Classification: Uncertain significance for Hajdu-Cheney syndrome. Last evaluated: 2025-02-02. Review status: criteria provided, single submitter. Criteria: Invitae Variant Classification Sherloc (09022015). Collection method: clinical testing. Allele origin: germline.
Comment: This sequence change replaces threonine, which is neutral and polar, with serine, which is neutral and polar, at codon 1993 of the NOTCH2 protein (p.Thr1993Ser). This variant is present in population databases (rs587652279, gnomAD 0.03%). This variant has not been reported in the literature in individuals affected with NOTCH2-related conditions. Invitae Evidence Modeling of protein sequence and biophysical properties (such as structural, functional, and spatial information, amino acid conservation, physicochemical variation, residue mobility, and thermodynamic stability) indicates that this missense variant is not expected to disrupt NOTCH2 protein function with a negative predictive value of 80%. In summary, the available evidence is currently insufficient to determine the role of this variant in disease. Therefore, it has been classified as a Variant of Uncertain Significance.